The following is an entry in ClinVar:

ClinVar aggregate classification (germline): Uncertain significance (1 of 4 stars; one submission).

Conditions:
Hereditary cancer-predisposing syndrome. Also called: Neoplastic Syndromes, Hereditary; Tumor predisposition; Hereditary Cancer Syndrome; Hereditary neoplastic syndrome. Identifiers: Orphanet 140162, MedGen C0027672, MeSH D009386, MONDO:0015356.

Submission:

Ambry Genetics
Classification: Uncertain significance for Hereditary cancer-predisposing syndrome. Last evaluated: 2025-12-29. Review status: criteria provided, single submitter. Criteria: Ambry Variant Classification Scheme 2023. Collection method: clinical testing. Allele origin: germline.
Comment: The p.M1936K variant (also known as c.5807T>A), located in coding exon 10 of the BRCA2 gene, results from a T to A substitution at nucleotide position 5807. The methionine at codon 1936 is replaced by lysine, an amino acid with similar properties. This amino acid position is conserved. In addition, this alteration is predicted to be tolerated by in silico analysis. Based on the available evidence, the clinical significance of this variant remains unclear.

NM_000059.4(BRCA2):c.5807T>A (p.Met1936Lys)

Gene: BRCA2 (BRCA2 DNA repair associated; plus strand). Cytogenetic location: 13q13.1.
Variant type: single nucleotide variant.
Coding change: c.5807T>A on transcript NM_000059.4 (MANE Select); coding-DNA position 5807, T replaced by A.
Protein change: p.Met1936Lys; replaces methionine 1936 with lysine.
Molecular consequence: missense variant. On other transcripts: non-coding transcript variant (1), intron variant (2).
Genome position (GRCh38, 1-based): chr13:32,340,162, T>A. VCF-style: chr13-32340162-T-A. GRCh37 (hg19) VCF-style: chr13-32914299-T-A.
Other names: c.5807T>A, p.Met1936Lys (NM_001406719.1, NM_001406720.1, NM_001432077.1); c.1910-4396T>A (NM_001406721.1); c.425-4396T>A (NM_001406722.1); short protein forms M1936K.
Identifiers: ClinVar variation 4842974 (VCV004842974.1).